The following is an entry in ClinVar:

ClinVar aggregate classification (germline): Uncertain significance (1 of 4 stars; one submission).

gnomAD v4.1: 2 of 1,589,834 alleles (0.00013%); highest among the groups gnomAD compares: Admixed American, 0.0017%; no homozygotes.

Submission:

Labcorp Genetics (formerly Invitae), Labcorp
Classification: Uncertain significance. Last evaluated: 2025-02-26. Review status: criteria provided, single submitter. Criteria: Invitae Variant Classification Sherloc (09022015). Collection method: clinical testing. Allele origin: germline.
Comment: This sequence change replaces serine, which is neutral and polar, with arginine, which is basic and polar, at codon 605 of the KANK4 protein (p.Ser605Arg). This variant is present in population databases (no rsID available, gnomAD 0.1%). This variant has not been reported in the literature in individuals affected with KANK4-related conditions. An algorithm developed to predict the effect of missense changes on protein structure and function (PolyPhen-2) suggests that this variant is likely to be disruptive. In summary, the available evidence is currently insufficient to determine the role of this variant in disease. Therefore, it has been classified as a Variant of Uncertain Significance.

NM_181712.5(KANK4):c.1815C>G (p.Ser605Arg)

Gene: KANK4 (KN motif and ankyrin repeat domains 4; minus strand). Cytogenetic location: 1p31.3.
Variant type: single nucleotide variant.
Coding change: c.1815C>G on transcript NM_181712.5 (MANE Select); coding-DNA position 1815, C replaced by G.
Protein change: p.Ser605Arg; replaces serine 605 with arginine.
Molecular consequence: missense variant. On other transcripts: intron variant (1).
Genome position (GRCh38, 1-based): chr1:62,273,289, G>C on the plus strand (C>G on the coding strand, the complement: KANK4 is on the minus strand). VCF-style: chr1-62273289-G-C. GRCh37 (hg19) VCF-style: chr1-62738961-G-C.
Other names: c.17-1700C>G (NM_001320269.2); short protein forms S605R.
Identifiers: ClinVar variation 4698199 (VCV004698199.1).